The following is an entry in ClinVar:

ClinVar aggregate classification (germline): Pathogenic/Likely pathogenic. Review status: criteria provided, multiple submitters, no conflicts (2 of 4 stars). 2 submissions from 2 submitters: Pathogenic (1); Likely pathogenic (1). Last evaluated 2025-01-29.

Conditions:
Multiple endocrine neoplasia, type 1 (MEN1). Also called: MEN I; MEA I; WERMER SYNDROME; Endocrine adenomatosis multiple; MEN 1. Identifiers: Orphanet 652, MedGen C0025267, MeSH D018761, MONDO:0007540, OMIM 131100.
Hereditary cancer-predisposing syndrome. Also called: Neoplastic Syndromes, Hereditary; Hereditary Cancer Syndrome; Tumor predisposition; Hereditary neoplastic syndrome. Identifiers: Orphanet 140162, MedGen C0027672, MeSH D009386, MONDO:0015356.

Allele frequency attached by ClinVar (database versions not stated): ExAC 0.00001.

Submissions (2):

Molecular Pathology, Peter Maccallum Cancer Centre
Classification: Likely pathogenic for Multiple endocrine neoplasia, type 1. Last evaluated: 2025-01-29. Review status: criteria provided, single submitter. Criteria: ACMG Guidelines, 2015. Collection method: clinical testing. Allele origin: germline. Inheritance: Autosomal dominant inheritance.

Ambry Genetics
Classification: Pathogenic for Hereditary cancer-predisposing syndrome. Last evaluated: 2025-01-22. Review status: criteria provided, single submitter. Criteria: Ambry Variant Classification Scheme 2023. Collection method: clinical testing. Allele origin: germline.
Comment: The p.S443P pathogenic mutation (also known as c.1327T>C), located in coding exon 8 of the MEN1 gene, results from a T to C substitution at nucleotide position 1327. The serine at codon 443 is replaced by proline, an amino acid with similar properties. This variant was reported in individual(s) with features consistent with Multiple endocrine neoplasia type 1 (Lin KY et al. J Clin Endocrinol Metab, 2023 Nov;108:e1532-e1541; External communication; Ambry internal data). This amino acid position is highly conserved in available vertebrate species. In addition, this alteration is predicted to be deleterious by in silico analysis. Based on the supporting evidence, this variant is interpreted as a disease-causing mutation.

Literature cited by the submitters: PubMed 37390813 (cited by Ambry Genetics).

NM_001370259.2(MEN1):c.1327T>C (p.Ser443Pro)

Gene: MEN1 (menin 1; minus strand). Cytogenetic location: 11q13.1.
Variant type: single nucleotide variant.
Coding change: c.1327T>C on transcript NM_001370259.2 (MANE Select); coding-DNA position 1327, T replaced by C.
Protein change: p.Ser443Pro; replaces serine 443 with proline.
Molecular consequence: missense variant. On other transcripts: non-coding transcript variant (4), intron variant (1).
Genome position (GRCh38, 1-based): chr11:64,805,057, A>G on the plus strand (T>C on the coding strand, the complement: MEN1 is on the minus strand). VCF-style: chr11-64805057-A-G. GRCh37 (hg19) VCF-style: chr11-64572529-A-G.
Other names: c.1186-241T>C (NM_001407152.1); c.1342T>C, p.Ser448Pro (NM_000244.4, NM_001407145.1, NM_130800.3 and 4 more transcripts); c.1453T>C, p.Ser485Pro (NM_001370251.2, NM_001407142.1, NM_001407143.1 and 1 more transcripts); c.1327T>C, p.Ser443Pro (NM_001370260.2, NM_001370261.2, NM_001407146.1 and 2 more transcripts); c.1222T>C, p.Ser408Pro (NM_001370262.2, NM_001370263.2, NM_001407148.1 and 1 more transcripts); c.1468T>C, p.Ser490Pro (NM_001407150.1); c.1348T>C, p.Ser450Pro (NM_001407151.1); short protein forms S408P, S490P, S443P, S448P, S485P, S450P.
Identifiers: ClinVar variation 2564963 (VCV002564963.4), dbSNP rs774800736, ClinGen allele CA060389.